The following is an entry in ClinVar:

ClinVar aggregate classification (germline): Uncertain significance. Review status: criteria provided, multiple submitters, no conflicts (2 of 4 stars). 3 submissions from 3 submitters: Uncertain significance (3). Last evaluated 2026-01-05.

Conditions:
Inborn genetic diseases. Identifiers: MedGen C0950123, MeSH D030342.

Allele frequency attached by ClinVar (database versions not stated): ExAC 0.00001; gnomAD 0.00001; TOPMed 0.00001; gnomAD exomes 0.00005.
gnomAD v4.1: 80 of 1,613,692 alleles (0.005%); highest among the groups gnomAD compares: Non-Finnish European, 0.0065%; no homozygotes.

Submissions (3):

Labcorp Genetics (formerly Invitae), Labcorp
Classification: Uncertain significance. Last evaluated: 2026-01-05. Review status: criteria provided, single submitter. Criteria: Invitae Variant Classification Sherloc (09022015). Collection method: clinical testing. Allele origin: germline.
Comment: This sequence change replaces glycine, which is neutral and non-polar, with arginine, which is basic and polar, at codon 89 of the NRL protein (p.Gly89Arg). This variant is present in population databases (rs756635898, gnomAD 0.004%). This variant has not been reported in the literature in individuals affected with NRL-related conditions. ClinVar contains an entry for this variant (Variation ID: 2985644). An algorithm developed to predict the effect of missense changes on protein structure and function (PolyPhen-2) suggests that this variant is likely to be tolerated. In summary, the available evidence is currently insufficient to determine the role of this variant in disease. Therefore, it has been classified as a Variant of Uncertain Significance.

Ambry Genetics
Classification: Uncertain significance for Inborn genetic diseases. Last evaluated: 2025-06-16. Review status: criteria provided, single submitter. Criteria: Ambry Variant Classification Scheme 2023. Collection method: clinical testing. Allele origin: germline.

Blueprint Genetics
Classification: Uncertain significance. Last evaluated: 2018-03-27. Review status: criteria provided, single submitter. Criteria: ACMG Guidelines, 2015. Collection method: clinical testing. Allele origin: germline.

NM_001354768.3(NRL):c.265G>C (p.Gly89Arg)

Gene: NRL (neural retina leucine zipper; minus strand). Cytogenetic location: 14q11.2.
Variant type: single nucleotide variant.
Coding change: c.265G>C on transcript NM_001354768.3 (MANE Select); coding-DNA position 265, G replaced by C.
Protein change: p.Gly89Arg; replaces glycine 89 with arginine.
Molecular consequence: missense variant. On other transcripts: intron variant (1).
Genome position (GRCh38, 1-based): chr14:24,082,584, C>G on the plus strand (G>C on the coding strand, the complement: NRL is on the minus strand). VCF-style: chr14-24082584-C-G. GRCh37 (hg19) VCF-style: chr14-24551793-C-G.
Other names: c.265G>C, p.Gly89Arg (NM_001354769.1, NM_006177.5); c.66+199G>C (NM_001354770.2); c.265G>C (NM_006177.3); short protein forms G89R.
Identifiers: ClinVar variation 2985644 (VCV002985644.5), dbSNP rs756635898, ClinGen allele CA7122899.